The following is an entry in ClinVar:

ClinVar aggregate classification (germline): Pathogenic. Review status: criteria provided, multiple submitters, no conflicts (2 of 4 stars). 4 submissions from 4 submitters: Pathogenic (3). 1 of the submissions does not count toward it. Last evaluated 2026-05-11.

Conditions:
Cardiovascular phenotype. Identifiers: MedGen CN230736.
Amyloidosis, hereditary systemic 1 (AMYLD1). Also called: Isolated Cardiac Amyloidosis; Amyloid Cardiomyopathy, Transthyretin-related; Transthyretin Amyloidosis; Hereditary Transthyretin Amyloidosis; Hereditary oculoleptomeningeal amyloid angiopathy; Familial Transthyretin Amyloidosis. Identifiers: Orphanet 85447, Orphanet 85451, MedGen C2751492, MONDO:0971004, OMIM 105210.

Submissions (4):

Ambry Genetics
Classification: Pathogenic for Cardiovascular phenotype. Last evaluated: 2026-05-11. Review status: criteria provided, single submitter. Criteria: Ambry Variant Classification Scheme 2023. Collection method: clinical testing. Allele origin: germline.
Comment: The p.L32P pathogenic mutation (also known as c.95T>C), located in coding exon 2 of the TTR gene, results from a T to C substitution at nucleotide position 95. The leucine at codon 32 is replaced by proline, an amino acid with similar properties. This variant was identified in one or more individuals with features consistent with hereditary transthyretin-related amyloidosis (Brett M et al. Brain, 1999 Feb;122 ( Pt 2):183-90; Altland K et al. Electrophoresis, 2007 Jun;28:2053-64; McColgan P et al. J Neurol, 2015 Jan;262:228-34; Du K et al. Ann Clin Transl Neurol, 2021 Apr;8:831-841; Gonz&aacute;lez-Moreno J et al. Cardiol Ther, 2024 Mar;13:117-135), and segregated with disease in at least one family (Barreiros AP et al. Liver Transpl, 2010 Mar;16:314-23). Note, this variant is also referred to as Leu12Pro in the literature. Other variant(s) at the same codon, p.L32V (c.94C>G), have been identified in individual(s) with features consistent with hereditary transthyretin-related amyloidosis (Mart&iacute;nez-Ulloa PL et al. J Peripher Nerv Syst, 2017 09;22:208-212). In multiple assays testing TTR function, this variant showed functionally abnormal results (Batista AR et al. Biochim Biophys Acta, 2013 Aug;1832:1183-93; Carr AS et al. J Neurol Neurosurg Psychiatry, 2016 Jun;87:620-7). This amino acid position is highly conserved in available vertebrate species. In addition, this alteration is predicted to be deleterious by in silico analysis. This variant is considered to be rare based on population cohorts in the Genome Aggregation Database (gnomAD). Based on the supporting evidence, this variant is interpreted as a disease-causing mutation.

Labcorp Genetics (formerly Invitae), Labcorp
Classification: Pathogenic for Amyloidosis, hereditary systemic 1. Last evaluated: 2024-02-02. Review status: criteria provided, single submitter. Criteria: Invitae Variant Classification Sherloc (09022015). Collection method: clinical testing. Allele origin: germline.
Comment: This sequence change replaces leucine, which is neutral and non-polar, with proline, which is neutral and non-polar, at codon 32 of the TTR protein (p.Leu32Pro). This variant is not present in population databases (gnomAD no frequency). This missense change has been observed in individual(s) with TTR-related conditions (PMID: 10071047, 20209591). This variant is also known as Leu12Pro. ClinVar contains an entry for this variant (Variation ID: 13457). Advanced modeling of protein sequence and biophysical properties (such as structural, functional, and spatial information, amino acid conservation, physicochemical variation, residue mobility, and thermodynamic stability) performed at Invitae indicates that this missense variant is expected to disrupt TTR protein function with a positive predictive value of 95%. Experimental studies have shown that this missense change affects TTR function (PMID: 15820680). For these reasons, this variant has been classified as Pathogenic.

ARUP Laboratories, Molecular Genetics and Genomics, ARUP Laboratories
Classification: Pathogenic. Last evaluated: 2019-06-05. Review status: criteria provided, single submitter. Criteria: ARUP Molecular Germline Variant Investigation Process. Collection method: clinical testing. Allele origin: germline.
Comment: The TTR c.95T>C; p.Leu32Pro variant (rs121918094), also known as p.Leu12Pro in alternative nomenclature, is reported in the literature in multiple individuals affected with TTR amyloidosis, including several individuals presenting with leptomeningeal amyloidosis (Brett 1999, McColgan 2015) and two siblings presenting with seizures and hypertrophic heart disease (Barreiros 2010). This variant is absent from general population databases (Exome Variant Server, Genome Aggregation Database), indicating it is not a common polymorphism. The leucine at codon 32 is highly conserved, and computational analyses (SIFT, PolyPhen-2) predict that this variant is deleterious. Consistent with these predictions, functional studies indicate that variant protein forms aggregates in cultured cells and mouse hepatocytes (Batista 2013) and exhibits altered multimerization properties compared to wildtype protein (Altland 2007). Based on available information, this variant is considered to be pathogenic. References: Altland K et al. Genetic microheterogeneity of human transthyretin detected by IEF. Electrophoresis. 2007 Jun;28(12):2053-64. Barreiros AP et al. Liver transplantation and combined liver-heart transplantation in patients with familial amyloid polyneuropathy: a single-center experience. Liver Transpl. 2010 Mar;16(3):314-23. Batista AR et al. Hepatic production of transthyretin L12P leads to intracellular lysosomal aggregates in a new somatic transgenic mouse model. Biochim Biophys Acta. 2013 Aug;1832(8):1183-93. Brett M et al. Transthyretin Leu12Pro is associated with systemic, neuropathic and leptomeningeal amyloidosis. Brain. 1999 Feb;122 ( Pt 2):183-90. McColgan P et al. Oculoleptomeningeal Amyloidosis associated with transthyretin Leu12Pro in an African patient. J Neurol. 2015 Jan;262(1):228-34.

OMIM
Classification: Pathogenic for AMYLOIDOSIS, HEREDITARY SYSTEMIC 1. Last evaluated: 1999-02-01. Review status: no assertion criteria provided. Collection method: literature only. Allele origin: germline. Not counted in ClinVar's aggregate classification.

Literature cited by the submitters: PubMed 10071047 (cited by 3 submitters); PubMed 17503405 (cited by Ambry Genetics); PubMed 20209591 (cited by Ambry Genetics and Labcorp Genetics (formerly Invitae), Labcorp); PubMed 23579071 (cited by Ambry Genetics); PubMed 25488473 (cited by Ambry Genetics); PubMed 26243339 (cited by Ambry Genetics); PubMed 33739616 (cited by Ambry Genetics); PubMed 38117424 (cited by Ambry Genetics); PubMed 15820680 (cited by Labcorp Genetics (formerly Invitae), Labcorp).

NM_000371.4(TTR):c.95T>C (p.Leu32Pro)

Gene: TTR (transthyretin; plus strand). Cytogenetic location: 18q12.1.
Variant type: single nucleotide variant.
Coding change: c.95T>C on transcript NM_000371.4 (MANE Select); coding-DNA position 95, T replaced by C.
Protein change: p.Leu32Pro; replaces leucine 32 with proline.
Molecular consequence: missense variant.
Genome position (GRCh38, 1-based): chr18:31,592,921, T>C. VCF-style: chr18-31592921-T-C. GRCh37 (hg19) VCF-style: chr18-29172884-T-C.
Other names: L12P; c.95T>C (NM_000371.3); short protein forms L32P.
Identifiers: ClinVar variation 13457 (VCV000013457.15), dbSNP rs121918094, ClinGen allele CA256853.